The following is an entry in ClinVar:

ClinVar aggregate classification (germline): Uncertain significance (1 of 4 stars; one submission).

gnomAD v4.1: 3 of 1,516,580 alleles (0.0002%); highest among the groups gnomAD compares: Middle Eastern, 0.019%; no homozygotes.

Submission:

CeGaT Center for Human Genetics Tuebingen
Classification: Uncertain significance. Last evaluated: 2026-08-01. Review status: criteria provided, single submitter. Criteria: CeGaT Center For Human Genetics Tuebingen Variant Classification Criteria Version 2. Collection method: clinical testing. Allele origin: germline. Affected: yes. Observed: 1 variant allele.
Comment: CTBP1: PM2

NM_001012614.2(CTBP1):c.1210G>A (p.Ala404Thr)

Genes: CTBP1 (C-terminal binding protein 1; minus strand), CTBP1-AS (CTBP1 antisense RNA; plus strand). Cytogenetic location: 4p16.3.
Variant type: single nucleotide variant.
Coding change: c.1210G>A on transcript NM_001012614.2 (MANE Select); coding-DNA position 1210, G replaced by A.
Protein change: p.Ala404Thr; replaces alanine 404 with threonine.
Molecular consequence: missense variant. On other transcripts: non-coding transcript variant (1).
Genome position (GRCh38, 1-based): chr4:1,212,320, C>T on the plus strand (G>A on the coding strand, the complement: CTBP1 is on the minus strand). VCF-style: chr4-1212320-C-T. GRCh37 (hg19) VCF-style: chr4-1206108-C-T.
Other names: c.1243G>A, p.Ala415Thr (NM_001328.3); c.1246G>A, p.Ala416Thr (NM_001377186.1); c.1213G>A, p.Ala405Thr (NM_001377187.1, NM_001377188.1, NM_001377189.1 and 1 more transcripts); c.1210G>A, p.Ala404Thr (NM_001377191.1, NM_001377192.1, NM_001377193.1); short protein forms A404T, A405T, A415T, A416T.
Identifiers: ClinVar variation 5040723 (VCV005040723.1).